The following is an entry in ClinVar:

ClinVar aggregate classification (germline): Uncertain significance (1 of 4 stars; one submission).

gnomAD v4.1: 1 of 1,612,362 alleles (0.000062%); highest among the groups gnomAD compares: Non-Finnish European, 0.000085%; no homozygotes.

Submission:

GeneDx
Classification: Uncertain significance. Last evaluated: 2024-01-08. Review status: criteria provided, single submitter. Criteria: GeneDx Variant Classification Process June 2021. Collection method: clinical testing. Allele origin: germline. Affected: yes.
Comment: Not observed at significant frequency in large population cohorts (gnomAD); In silico analysis supports that this missense variant does not alter protein structure/function; Has not been previously published as pathogenic or benign to our knowledge

NM_001378454.1(ALMS1):c.4510G>T (p.Val1504Phe)

Gene: ALMS1 (ALMS1 centrosome and basal body associated protein; plus strand). Cytogenetic location: 2p13.1.
Variant type: single nucleotide variant.
Coding change: c.4510G>T on transcript NM_001378454.1 (MANE Select); coding-DNA position 4510, G replaced by T.
Protein change: p.Val1504Phe; replaces valine 1504 with phenylalanine.
Molecular consequence: missense variant.
Genome position (GRCh38, 1-based): chr2:73,451,037, G>T. VCF-style: chr2-73451037-G-T. GRCh37 (hg19) VCF-style: chr2-73678164-G-T.
Other names: c.4513G>T, p.Val1505Phe (NM_015120.4); short protein forms V1504F, V1505F.
Identifiers: ClinVar variation 3367334 (VCV003367334.1).